The following is an entry in ClinVar:

NM_007194.4(CHEK2):c.856A>C (p.Ile286Leu)

Gene: CHEK2 (checkpoint kinase 2; minus strand). Cytogenetic location: 22q12.1.
Variant type: single nucleotide variant.
Coding change: c.856A>C on transcript NM_007194.4 (MANE Select); coding-DNA position 856, A replaced by C.
Protein change: p.Ile286Leu; replaces isoleucine 286 with leucine.
Molecular consequence: missense variant.
Genome position (GRCh38, 1-based): chr22:28,703,557, T>G on the plus strand (A>C on the coding strand, the complement: CHEK2 is on the minus strand). VCF-style: chr22-28703557-T-G. GRCh37 (hg19) VCF-style: chr22-29099545-T-G.
Other names: c.856A>C, p.Ile286Leu (NM_145862.3); c.985A>C, p.Ile329Leu (NM_001005735.3); c.193A>C, p.Ile65Leu (NM_001257387.3); c.655A>C, p.Ile219Leu (NM_001349956.3); short protein forms I286L, I219L, I65L, I329L.
Identifiers: ClinVar variation 460860 (VCV000460860.10), dbSNP rs986132746, ClinGen allele CA411101312.
Genomic context (GRCh38, chr22:28,703,557, plus strand): 5'-CTACTTACAATTCCAAAACAATATAATAATCTTCTGCATCAAAAAAGTTTTTAATCTTGA[T>G]GATGCAAGGCTAAGAAGAGGGGGAGAAAAAAGGGAAAGTAGTGAGAAACTCCCAAGAGGA-3'
Protein context (NP_009125.1, residues 276-296): ILKKLNHPCI[Ile286Leu]KIKNFFDAED

ClinVar aggregate classification (germline): Uncertain significance. Review status: criteria provided, multiple submitters, no conflicts (2 of 4 stars). 2 submissions from 2 submitters: Uncertain significance (2). Last evaluated 2026-08-18.

Conditions:
Hereditary cancer-predisposing syndrome. Also called: Neoplastic Syndromes, Hereditary; Hereditary neoplastic syndrome; Hereditary Cancer Syndrome; Tumor predisposition. Identifiers: Orphanet 140162, MedGen C0027672, MeSH D009386, MONDO:0015356.
Familial cancer of breast. Also called: hereditary breast carcinoma; Hereditary breast cancer; BREAST CANCER, FAMILIAL. Identifiers: Orphanet 227535, MedGen C0346153, MONDO:0016419, OMIM 114480. Disease mechanism: loss of function.

Submissions (2):

Ambry Genetics
Classification: Uncertain significance for Hereditary cancer-predisposing syndrome. Last evaluated: 2026-08-18. Review status: criteria provided, single submitter. Criteria: Ambry Variant Classification Scheme 2023. Collection method: clinical testing. Allele origin: germline.
Comment: The p.I286L variant (also known as c.856A>C), located in coding exon 7 of the CHEK2 gene, results from an A to C substitution at nucleotide position 856. The isoleucine at codon 286 is replaced by leucine, an amino acid with highly similar properties. This amino acid position is highly conserved in available vertebrate species. In addition, the in silico prediction for this alteration is inconclusive. Based on the available evidence, the clinical significance of this variant remains unclear.

Labcorp Genetics (formerly Invitae), Labcorp
Classification: Uncertain significance for Familial cancer of breast. Last evaluated: 2023-04-25. Review status: criteria provided, single submitter. Criteria: Invitae Variant Classification Sherloc (09022015). Collection method: clinical testing. Allele origin: germline.
Comment: In summary, the available evidence is currently insufficient to determine the role of this variant in disease. Therefore, it has been classified as a Variant of Uncertain Significance. An algorithm developed to predict the effect of missense changes on protein structure and function (PolyPhen-2) suggests that this variant is likely to be disruptive. ClinVar contains an entry for this variant (Variation ID: 460860). This variant has not been reported in the literature in individuals affected with CHEK2-related conditions. This variant is not present in population databases (gnomAD no frequency). This sequence change replaces isoleucine, which is neutral and non-polar, with leucine, which is neutral and non-polar, at codon 286 of the CHEK2 protein (p.Ile286Leu).